The following is an entry in ClinVar:

NM_182972.3(IRF2BP2):c.1617_1624dup (p.Gly542fs)

Gene: IRF2BP2 (interferon regulatory factor 2 binding protein 2; minus strand). Cytogenetic location: 1q42.3.
Variant type: Duplication.
Coding change: c.1617_1624dup on transcript NM_182972.3 (MANE Select); coding-DNA positions 1617 to 1624, 8 bases duplicated (ACAGCAGG; older notation c.1617_1624dupACAGCAGG).
Protein change: p.Gly542fs; shifts the reading frame from glycine 542.
Molecular consequence: frameshift variant.
Genome position (GRCh38, 1-based): chr1:234,607,277-234,607,284, CCTGCTGT duplicated on the plus strand (ACAGCAGG on the coding strand, the reverse complement: IRF2BP2 is on the minus strand). VCF-style (leftmost placement, unchanged base first): chr1-234607276-C-CCCTGCTGT. GRCh37 (hg19) VCF-style: chr1-234743022-C-CCCTGCTGT.
Other names: c.1569_1576dup, p.Gly526fs (NM_001077397.1); short protein forms G526fs, G542fs.
Identifiers: ClinVar variation 4687053 (VCV004687053.1).

ClinVar aggregate classification (germline): Uncertain significance (1 of 4 stars; one submission).

Submission:

GeneDx
Classification: Uncertain significance. Last evaluated: 2025-07-24. Review status: criteria provided, single submitter. Criteria: GeneDx Variant Classification Process June 2021. Collection method: clinical testing. Allele origin: germline. Affected: yes.
Comment: Has not been previously published as pathogenic or benign to our knowledge; Frameshift variant predicted to result in abnormal protein length as the last 46 amino acid(s) are replaced with 40 different amino acid(s); Not observed at significant frequency in large population cohorts (gnomAD)